The following is an entry in ClinVar:

ClinVar aggregate classification (germline): Uncertain significance (0 of 4 stars; one submission).

Conditions:
Breast ductal adenocarcinoma. Also called: Ductal breast carcinoma; Breast cancer, invasive ductal. Identifiers: MedGen C1527349, MONDO:0005590.

Submission:

Next Generation Diagnostics, Novartis Institutes for BioMedical Research, Inc.
Classification: Uncertain significance for Breast ductal adenocarcinoma. Last evaluated: 2015-07-20. Review status: no assertion criteria provided. Collection method: research. Allele origin: somatic. Affected: yes.
Comment: Loss of heterozygosity

chr2:130949553-130952725 complex variant

Gene: TUBA3E (tubulin alpha 3e; minus strand). Cytogenetic location: 2q21.1.
Variant type: Complex.
Identifiers: ClinVar variation 221361 (VCV000221361.2).